The following is an entry in ClinVar:

NM_005245.4(FAT1):c.3749A>G (p.Tyr1250Cys)

Gene: FAT1 (FAT atypical cadherin 1; minus strand). Cytogenetic location: 4q35.2.
Variant type: single nucleotide variant.
Coding change: c.3749A>G on transcript NM_005245.4 (MANE Select); coding-DNA position 3749, A replaced by G.
Protein change: p.Tyr1250Cys; replaces tyrosine 1250 with cysteine.
Molecular consequence: missense variant.
Genome position (GRCh38, 1-based): chr4:186,636,808, T>C on the plus strand (A>G on the coding strand, the complement: FAT1 is on the minus strand). VCF-style: chr4-186636808-T-C. GRCh37 (hg19) VCF-style: chr4-187557962-T-C.
Other names: p.Tyr1250Cys; c.3749A>G (NM_005245.3); short protein forms Y1250C.
Identifiers: ClinVar variation 1050268 (VCV001050268.28), dbSNP rs142805532, ClinGen allele CA3166922.

ClinVar aggregate classification (germline): Benign/Likely benign. Review status: criteria provided, multiple submitters, no conflicts (2 of 4 stars). 6 submissions from 6 submitters: Benign (2); Likely benign (2). 2 of the submissions do not count toward it. Last evaluated 2026-01-26.

Conditions:
FAT1-related disorder. Also called: FAT1-related condition.

Allele frequency attached by ClinVar (database versions not stated): 1000 Genomes Project 30x 0.00141; 1000 Genomes Project 0.00160; gnomAD 0.00191 and 0.00192; ExAC 0.00199; TOPMed 0.00206; gnomAD exomes 0.00211 and 0.00284; ESP Exome Variant Server 0.00236.
gnomAD v4.1: 4,488 of 1,614,016 alleles (0.28%); highest among the groups gnomAD compares: Non-Finnish European, 0.3%; 14 homozygotes.

Submissions (6):

Labcorp Genetics (formerly Invitae), Labcorp
Classification: Benign. Last evaluated: 2026-01-26. Review status: criteria provided, single submitter. Criteria: Invitae Variant Classification Sherloc (09022015). Collection method: clinical testing. Allele origin: germline.

Mayo Clinic Laboratories, Mayo Clinic
Classification: Likely benign. Last evaluated: 2025-12-07. Review status: criteria provided, single submitter. Criteria: ACMG Guidelines, 2015. Collection method: clinical testing. Allele origin: germline. Observed: 1 variant allele.
Comment: BS1, PP3

CeGaT Center for Human Genetics Tuebingen
Classification: Benign. Last evaluated: 2025-07-01. Review status: criteria provided, single submitter. Criteria: CeGaT Center For Human Genetics Tuebingen Variant Classification Criteria Version 2. Collection method: clinical testing. Allele origin: germline. Affected: yes. Observed: 3 variant alleles.
Comment: FAT1: BS1, BS2

Blueprint Genetics
Classification: Likely benign. Last evaluated: 2024-11-25. Review status: criteria provided, single submitter. Criteria: ACMG Guidelines, 2015. Collection method: clinical testing. Allele origin: germline.

PreventionGenetics, part of Exact Sciences
Classification: Benign for FAT1-related condition. Last evaluated: 2019-10-03. Review status: no assertion criteria provided. Collection method: clinical testing. Allele origin: germline. Not counted in ClinVar's aggregate classification.
Comment: This variant is classified as benign based on ACMG/AMP sequence variant interpretation guidelines (Richards et al. 2015 PMID: 25741868, with internal and published modifications).

Department of Pathology and Laboratory Medicine, Sinai Health System
Classification: Likely benign. Review status: no assertion criteria provided. Collection method: clinical testing. Allele origin: unknown. Affected: yes. Study: The Canadian Open Genetics Repository (COGR). Not counted in ClinVar's aggregate classification.
Comment: The FAT1 p.Tyr1250Cys variant was not identified in the literature nor was it identified in ClinVar, Cosmic, or LOVD 3.0. The variant was identified in dbSNP (ID: rs142805532) with clinical significance as NA. The variant was identified in control databases in 561 of 280618 chromosomes (1 homozygous) at a frequency of 0.001999 increasing the likelihood this could be a low frequency benign variant (Genome Aggregation Database Feb 27, 2017). The variant was observed in the following populations: Ashkenazi Jewish in 132 of 10352 chromosomes (freq: 0.01275), European (non-Finnish) in 316 of 128402 chromosomes (freq: 0.002461), Other in 13 of 7138 chromosomes (freq: 0.001821), South Asian in 46 of 30602 chromosomes (freq: 0.001503), Latino in 41 of 35374 chromosomes (freq: 0.001159), African in 8 of 24194 chromosomes (freq: 0.000331), European (Finnish) in 5 of 25024 chromosomes (freq: 0.0002); it was not observed in the East Asian population. The c.3749A>G variant occurs outside of the splicing consensus sequence and in silico or computational prediction software programs (SpliceSiteFinder, MaxEntScan, NNSPLICE, GeneSplicer) do not predict a difference in splicing. The p.Tyr1250 residue is highly conserved in mammals and other organisms and 5 of 5 computational analyses (SIFT, AlignGVGD, BLOSUM, MutationTaster, PolyPhen-2) suggest that the variant may impact the protein. In summary, based on the above information the clinical significance of this variant cannot be determined with certainty at this time although we would lean towards a more benign role for this variant. This variant is classified as likely benign.